The following continues an entry in ClinVar:

NM_024426.6(WT1):c.1447+5G>A

Gene: WT1. ClinVar aggregate classification (germline): Pathogenic/Likely pathogenic. Pathogenic (19); Likely pathogenic (1).

Submissions 9 to 24 of 24:

Broad Center for Mendelian Genomics, Broad Institute of MIT and Harvard
Classification: Pathogenic for Nephrotic syndrome, type 4. Last evaluated: 2023-05-02. Review status: criteria provided, single submitter. Criteria: ACMG Guidelines, 2015. Collection method: curation. Allele origin: germline. Inheritance: Autosomal dominant inheritance. Study: Broad Institute Center for Mendelian Genomics (CMG).
Comment: Trio exome analysis revealed this variant to be de novo. The c.1432+5G>A variant in WT1 has been reported in 19 unrelated individuals with WT1 disorder (PMID: 23295293, PMID: 27719739, PMID: 21499692, PMID: 22099579, PMID: 24856380, PMID: 10762296, PMID: 20442690, PMID: 9499425, PMID: 1302008). This variant was found to be de novo in 13 individuals with confirmed paternity and maternity (PMID: 28204945, PMID: 28780565, PMID: 23515051, PMID: 21499692, PMID: 17694336, PMID: 10762296, PMID: 9499425, PMID: 1302008). This variant is assumed de novo in 10 individuals, but maternity and paternity have not been confirmed (PMID: 23295293, PMID: 27719739, PMID: 28204945, PMID: 22099579, PMID: 24856380, PMID: 9499425). This variant has also been reported in ClinVar (Variation ID: 3493) and has been interpreted as pathogenic by multiple submitters. Multiple variants in the same region as the c.1432+5G>A variant have been reported in association with disease, suggesting that this variant is in a hot spot and slightly supports pathogenicity (PMID: 9499425). This variant was absent from large population studies. The number of reported affected individuals with this variant is greater than expected compared to non-affected individuals with this variant. RT-PCR analysis performed on affected tissue shows this variant results in altered splicing of WT1, leading to an altered ratio of the +/- KTS isoforms (PMID: 17694336, PMID: 9499425, PMID: 1302008). In summary, this variant meets criteria to be classified as pathogenic for autosomal dominant WT1 disorder. ACMG/AMP Criteria applied: PS2_VeryStrong, PS3_Moderate, PS4, PM1_Supporting, PM2_Supporting (Richards 2015).

Labcorp Genetics (formerly Invitae), Labcorp
Classification: Pathogenic for Wilms tumor 1; Drash syndrome; 11p partial monosomy syndrome; Frasier syndrome. Last evaluated: 2023-03-13. Review status: criteria provided, single submitter. Criteria: Invitae Variant Classification Sherloc (09022015). Collection method: clinical testing. Allele origin: germline.
Comment: For these reasons, this variant has been classified as Pathogenic. Variants that disrupt the consensus splice site are a relatively common cause of aberrant splicing (PMID: 17576681, 9536098). Studies have shown that this variant results in the activation of a cryptic splice site in intron 9 (PMID: 1302008, 9499425). ClinVar contains an entry for this variant (Variation ID: 3493). This variant is also known as IVS9+5G>A and c.1228+5G>A. This variant has been observed in individual(s) with Frasier syndrome and/or steroid-resistant nephrotic syndrome (PMID: 9499425, 20442690, 25818337, 27719739). In at least one individual the variant was observed to be de novo. This variant is not present in population databases (gnomAD no frequency). This sequence change falls in intron 9 of the WT1 gene. It does not directly change the encoded amino acid sequence of the WT1 protein. RNA analysis indicates that this variant induces altered splicing and likely results in the loss of 3 amino acid residue(s), but is expected to preserve the integrity of the reading-frame.

Baylor Genetics
Classification: Pathogenic for Wilms tumor 1. Last evaluated: 2023-02-02. Review status: criteria provided, single submitter. Criteria: ACMG Guidelines, 2015. Collection method: clinical testing. Allele origin: unknown.

Blueprint Genetics
Classification: Pathogenic for WT1-related disorders. Last evaluated: 2022-05-17. Review status: criteria provided, single submitter. Criteria: ACMG Guidelines, 2015. Collection method: clinical testing. Allele origin: germline. Affected: yes. Observed: 2 variant alleles.

Daryl Scott Lab, Baylor College of Medicine
Classification: Pathogenic for Drash syndrome. Last evaluated: 2022-01-27. Review status: criteria provided, single submitter. Criteria: ACMG Guidelines, 2015. Collection method: clinical testing. Allele origin: de novo. Affected: yes. Observed: 1 variant allele, 1 heterozygote.

Revvity Omics, Revvity
Classification: Pathogenic. Last evaluated: 2021-10-21. Review status: criteria provided, single submitter. Criteria: ACMG Guidelines, 2015. Collection method: clinical testing. Allele origin: germline.

Greenwood Genetic Center Diagnostic Laboratories, Greenwood Genetic Center
Classification: Pathogenic. Last evaluated: 2020-11-09. Review status: criteria provided, single submitter. Criteria: ACMG Guidelines, 2015. Collection method: clinical testing. Allele origin: germline. Affected: yes.
Comment: PS3, PS4, PP3, PM2

Laboratory for Molecular Medicine, Mass General Brigham Personalized Medicine
Classification: Pathogenic for Frasier syndrome. Last evaluated: 2020-01-10. Review status: criteria provided, single submitter. Criteria: LMM Criteria. Collection method: clinical testing. Allele origin: germline. Inheritance: Autosomal dominant inheritance. Observed: 1 variant allele.
Comment: proposed classification - variant undergoing re-assessment, contact laboratory

GeneDx
Classification: Pathogenic. Last evaluated: 2019-11-27. Review status: criteria provided, single submitter. Criteria: GeneDx Variant Classification Process June 2021. Collection method: clinical testing. Allele origin: germline. Affected: yes.
Comment: Published functional studies demonstrate a damaging effect: aberrant splicing resulting in disruption of the ratio of WT1 isoforms (Bruening 1992, Klamt 1998); Not observed in large population cohorts (Lek 2016); Also known as c.1228+5G>A; This variant is associated with the following publications: (PMID: 32203225, 31447099, 7959750, 8281163, 1302008, 9499425, 30406062, 28780565, 28204945, 25818337, 20442690, 23515051, 10505700, 11354777)

Athena Diagnostics
Classification: Pathogenic. Last evaluated: 2019-10-14. Review status: criteria provided, single submitter. Criteria: Athena Diagnostics Criteria. Collection method: clinical testing. Allele origin: unknown.
Comment: Not found in the total gnomAD dataset, and the data is high quality. Predicted to negatively affect a known splice site. Assessment of experimental evidence suggests this variant results in abnormal protein function. 3 de novo cases with parental identity not confirmed.

Baylor Genetics
Classification: Pathogenic for Frasier syndrome. Last evaluated: 2019-07-16. Review status: criteria provided, single submitter. Criteria: ACMG Guidelines, 2015. Collection method: clinical testing. Allele origin: de novo. Affected: yes.
Comment: This variant was determined to be pathogenic according to ACMG Guidelines, 2015 [PMID:25741868].

Molecular Diagnostics Laboratory, M Health Fairview: University of Minnesota
Classification: Pathogenic for Drash syndrome. Last evaluated: 2018-02-01. Review status: criteria provided, single submitter. Criteria: ACMG Guidelines, 2015. Collection method: clinical testing. Allele origin: germline. Affected: yes. Observed: 1 variant allele.

Bioscientia Institut fuer Medizinische Diagnostik GmbH, Sonic Healthcare
Classification: Pathogenic for Nephrotic syndrome, type 4. Last evaluated: 2018-05-17. Review status: no assertion criteria provided. Collection method: clinical testing. Allele origin: germline. Affected: yes. Not counted in ClinVar's aggregate classification.

OMIM
Classification: Pathogenic for FRASIER SYNDROME. Last evaluated: 1998-04-01. Review status: no assertion criteria provided. Collection method: literature only. Allele origin: germline. Not counted in ClinVar's aggregate classification.

OMIM
Classification: Pathogenic for DENYS-DRASH SYNDROME. Last evaluated: 1992-05-01. Review status: no assertion criteria provided. Collection method: literature only. Allele origin: germline. Not counted in ClinVar's aggregate classification.

GeneReviews
No classification provided. Condition: Wilms tumor 1. Review status: no classification provided. Collection method: literature only. Allele origin: germline. Not counted in ClinVar's aggregate classification.
Comment: Common pathogenic variant; typical for 46,XY 46,XY complete gonadal dysgenesis

Literature cited by the submitters: PubMed 9499425 (cited by 8 submitters); PubMed 17576681 (cited by Dasa and Labcorp Genetics (formerly Invitae), Labcorp); PubMed 20442690 (cited by 4 submitters); PubMed 27719739 (cited by 3 submitters); PubMed 1302008 (cited by 8 submitters); PubMed 10762296 (cited by 3 submitters); PubMed 17694336 (cited by Ambry Genetics and Athena Diagnostics); PubMed 21499692 (cited by Ambry Genetics and Athena Diagnostics); PubMed 22099579 (cited by Ambry Genetics and Athena Diagnostics); PubMed 23295293 (cited by Ambry Genetics and Laboratory for Molecular Medicine, Mass General Brigham Personalized Medicine); PubMed 23515051 (cited by 3 submitters); PubMed 24856380 (cited by 3 submitters); PubMed 28204945 (cited by 3 submitters); PubMed 28780565 (cited by Ambry Genetics and Athena Diagnostics); PubMed 16439601 (cited by Victorian Clinical Genetics Services, Murdoch Childrens Research Institute); PubMed 25623218 (cited by Victorian Clinical Genetics Services, Murdoch Childrens Research Institute); PubMed 9536098 (cited by Labcorp Genetics (formerly Invitae), Labcorp); PubMed 25818337 (cited by 3 submitters); PubMed 35904974 (cited by Daryl Scott Lab, Baylor College of Medicine); PubMed 30406062 (cited by Athena Diagnostics); PubMed 9398852 (cited by Molecular Diagnostics Laboratory, M Health Fairview: University of Minnesota and GeneReviews); PubMed 1658787 (cited by OMIM); PubMed 32352694 (cited by GeneReviews).